The following is an entry in ClinVar:

NM_001018115.3(FANCD2):c.521G>A (p.Arg174Gln)

Genes: FANCD2 (FA complementation group D2; plus strand), LOC107303338 (3p25 FANCD2 Alu-mediated recombination region; plus strand). Cytogenetic location: 3p25.3.
Variant type: single nucleotide variant.
Coding change: c.521G>A on transcript NM_001018115.3 (MANE Select); coding-DNA position 521, G replaced by A.
Protein change: p.Arg174Gln; replaces arginine 174 with glutamine.
Molecular consequence: missense variant.
Genome position (GRCh38, 1-based): chr3:10,039,308, G>A. VCF-style: chr3-10039308-G-A. GRCh37 (hg19) VCF-style: chr3-10080992-G-A.
Other names: c.521G>A, p.Arg174Gln (NM_001319984.2, NM_001374253.1, NM_001374254.1 and 2 more transcripts); c.521G>A (NM_033084.4); short protein forms R174Q.
Identifiers: ClinVar variation 899814 (VCV000899814.8), dbSNP rs41291203, ClinGen allele CA2249256.
Genomic context (GRCh38, chr3:10,039,308, plus strand): 5'-AGTTCCCTGTTTTCTCTTCCTAACATTTTAGCAAGAACAGTGATGAAATCAACATACCTC[G>A]ACTCATTGTCAGTCAACTAAAATGGCTTGACAGAGTTGTGGATGGCAAGGTAGGCTTATG-3'
Protein context (NP_001018125.1, residues 164-184): NKNSDEINIP[Arg174Gln]LIVSQLKWLD

ClinVar aggregate classification (germline): Uncertain significance. Review status: criteria provided, multiple submitters, no conflicts (2 of 4 stars). 3 submissions from 3 submitters: Uncertain significance (3). Last evaluated 2026-01-02.

Conditions:
Fanconi anemia complementation group D2. Also called: FANCD2-Related Fanconi Anemia; FANCONI PANCYTOPENIA, TYPE 4; FANCONI ANEMIA, COMPLEMENTATION GROUP D. Identifiers: Orphanet 84, MedGen C3160738, MONDO:0009214, OMIM 227646.
Fanconi anemia (FA). Also called: Fanconi's anemia. Identifiers: Orphanet 84, MedGen C0015625, MeSH D005199, MONDO:0019391.

Allele frequency attached by ClinVar (database versions not stated): TOPMed below 0.00001; gnomAD 0.00001; gnomAD exomes 0.00001 and 0.00002; ExAC 0.00002; ESP Exome Variant Server 0.00008; 1000 Genomes Project 0.00020; 1000 Genomes Project 30x 0.00031.
gnomAD v4.1: 28 of 1,613,768 alleles (0.0017%); highest among the groups gnomAD compares: Middle Eastern, 0.017%; no homozygotes.

Submissions (3):

Labcorp Genetics (formerly Invitae), Labcorp
Classification: Uncertain significance for Fanconi anemia. Last evaluated: 2026-01-02. Review status: criteria provided, single submitter. Criteria: Invitae Variant Classification Sherloc (09022015). Collection method: clinical testing. Allele origin: germline.
Comment: This sequence change replaces arginine, which is basic and polar, with glutamine, which is neutral and polar, at codon 174 of the FANCD2 protein (p.Arg174Gln). This variant is present in population databases (rs41291203, gnomAD 0.003%). This variant has not been reported in the literature in individuals affected with FANCD2-related conditions. ClinVar contains an entry for this variant (Variation ID: 899814). Invitae Evidence Modeling of protein sequence and biophysical properties (such as structural, functional, and spatial information, amino acid conservation, physicochemical variation, residue mobility, and thermodynamic stability) indicates that this missense variant is not expected to disrupt FANCD2 protein function with a negative predictive value of 80%. In summary, the available evidence is currently insufficient to determine the role of this variant in disease. Therefore, it has been classified as a Variant of Uncertain Significance.

Fulgent Genetics
Classification: Uncertain significance for Fanconi anemia complementation group D2. Last evaluated: 2024-02-07. Review status: criteria provided, single submitter. Criteria: ACMG Guidelines, 2015. Collection method: clinical testing. Allele origin: germline.

Illumina Laboratory Services, Illumina
Classification: Uncertain significance for Fanconi anemia complementation group D2. Last evaluated: 2018-01-13. Review status: criteria provided, single submitter. Criteria: ICSL Variant Classification Criteria 13 December 2019. Collection method: clinical testing. Allele origin: germline.